The following is an entry in ClinVar:

ClinVar aggregate classification (germline): Uncertain significance (1 of 4 stars; one submission).

Submission:

Mayo Clinic Laboratories, Mayo Clinic
Classification: Uncertain significance. Last evaluated: 2025-08-28. Review status: criteria provided, single submitter. Criteria: ACMG Guidelines, 2015. Collection method: clinical testing. Allele origin: germline. Observed: 1 variant allele.
Comment: PP3_strong, PM2_supporting

NM_000155.4(GALT):c.1040G>A (p.Arg347Lys)

Gene: GALT (galactose-1-phosphate uridylyltransferase; plus strand). Cytogenetic location: 9p13.3.
Variant type: single nucleotide variant.
Coding change: c.1040G>A on transcript NM_000155.4 (MANE Select); coding-DNA position 1040, G replaced by A.
Protein change: p.Arg347Lys; replaces arginine 347 with lysine.
Molecular consequence: missense variant.
Genome position (GRCh38, 1-based): chr9:34,649,545, G>A. VCF-style: chr9-34649545-G-A. GRCh37 (hg19) VCF-style: chr9-34649542-G-A.
Other names: p.Arg347Lys; c.713G>A, p.Arg238Lys (NM_001258332.2); short protein forms R238K, R347K.
Identifiers: ClinVar variation 4541440 (VCV004541440.1).
Genomic context (GRCh38, chr9:34,649,545, plus strand): 5'-TGCGCTCTGCCACTGTCCGGAAATTCATGGTTGGCTACGAAATGCTTGCTCAGGCTCAGA[G>A]GGACCTCACCCCTGAGCAGGTCAGGACTCAGAACAGTCTGGCGTCTCCAGACTCTCACAT-3'
Protein context (NP_000146.2, residues 337-357): VGYEMLAQAQ[Arg347Lys]DLTPEQAAER